The following is an entry in ClinVar:

ClinVar aggregate classification (germline): Benign/Likely benign. Review status: criteria provided, multiple submitters, no conflicts (2 of 4 stars). 3 submissions from 3 submitters: Benign (1); Likely benign (2). Last evaluated 2025-03-04.

Allele frequency attached by ClinVar (database versions not stated): gnomAD exomes 0.00049 and 0.00142; ExAC 0.00167; 1000 Genomes Project 0.00379; 1000 Genomes Project 30x 0.00390; gnomAD 0.00507 and 0.00549; TOPMed 0.00571; ESP Exome Variant Server 0.00646.

Submissions (3):

Center for Genomic Medicine, Rigshospitalet, Copenhagen University Hospital
Classification: Benign. Last evaluated: 2025-03-04. Review status: criteria provided, single submitter. Criteria: ACMG Guidelines, 2015. Collection method: clinical testing. Allele origin: germline.

Blueprint Genetics
Classification: Likely benign. Last evaluated: 2024-11-26. Review status: criteria provided, single submitter. Criteria: ACMG Guidelines, 2015. Collection method: clinical testing. Allele origin: germline.

GeneDx
Classification: Likely benign. Last evaluated: 2017-10-13. Review status: criteria provided, single submitter. Criteria: GeneDx Variant Classification (06012015). Collection method: clinical testing. Allele origin: germline. Affected: yes.
Comment: This variant is considered likely benign or benign based on one or more of the following criteria: it is a conservative change, it occurs at a poorly conserved position in the protein, it is predicted to be benign by multiple in silico algorithms, and/or has population frequency not consistent with disease.

NM_144997.7(FLCN):c.*17G>T

Gene: FLCN (folliculin; minus strand). Cytogenetic location: 17p11.2.
Variant type: single nucleotide variant.
Coding change: c.*17G>T on transcript NM_144997.7 (MANE Select); 17 bases downstream of the stop codon, G replaced by T.
Molecular consequence: 3 prime UTR variant.
Genome position (GRCh38, 1-based): chr17:17,213,638, C>A on the plus strand (G>T on the coding strand, the complement: FLCN is on the minus strand). VCF-style: chr17-17213638-C-A. GRCh37 (hg19) VCF-style: chr17-17116952-C-A.
Other names: c.*17G>T (LRG_325t1, NM_001353229.2, NM_001353230.2 and 1 more transcripts).
Identifiers: ClinVar variation 387053 (VCV000387053.4), dbSNP rs115885284, ClinGen allele CA8415897.